The following is an entry in ClinVar:

NM_006269.2(RP1):c.166A>C (p.Asn56His)

Gene: RP1 (RP1 axonemal microtubule associated; plus strand). Cytogenetic location: 8q12.1.
Variant type: single nucleotide variant.
Coding change: c.166A>C on transcript NM_006269.2 (MANE Select); coding-DNA position 166, A replaced by C.
Protein change: p.Asn56His; replaces asparagine 56 with histidine.
Molecular consequence: missense variant.
Genome position (GRCh38, 1-based): chr8:54,621,132, A>C. VCF-style: chr8-54621132-A-C. GRCh37 (hg19) VCF-style: chr8-55533692-A-C.
Other names: c.166A>C, p.Asn56His (NM_001375654.1); short protein forms N56H.
Identifiers: ClinVar variation 1058161 (VCV001058161.9), dbSNP rs2129314142, ClinGen allele CA370985757.

ClinVar aggregate classification (germline): Uncertain significance (1 of 4 stars; one submission).

Submission:

Labcorp Genetics (formerly Invitae), Labcorp
Classification: Uncertain significance. Last evaluated: 2020-09-11. Review status: criteria provided, single submitter. Criteria: Invitae Variant Classification Sherloc (09022015). Collection method: clinical testing. Allele origin: germline.
Comment: In summary, the available evidence is currently insufficient to determine the role of this variant in disease. Therefore, it has been classified as a Variant of Uncertain Significance. Algorithms developed to predict the effect of missense changes on protein structure and function (SIFT, PolyPhen-2, Align-GVGD) all suggest that this variant is likely to be disruptive, but these predictions have not been confirmed by published functional studies and their clinical significance is uncertain. This variant has not been reported in the literature in individuals with RP1-related conditions. This variant is not present in population databases (ExAC no frequency). This sequence change replaces asparagine with histidine at codon 56 of the RP1 protein (p.Asn56His). The asparagine residue is highly conserved and there is a small physicochemical difference between asparagine and histidine.